The following is an entry in ClinVar:

ClinVar aggregate classification (germline): Pathogenic. Review status: criteria provided, multiple submitters, no conflicts (2 of 4 stars). 4 submissions from 4 submitters: Pathogenic (3). 1 of the submissions does not count toward it. Last evaluated 2026-03-12.

Conditions:
Epidermolysis bullosa dystrophica. Also called: Dystrophic epidermolysis bullosa; Dystrophic epidermolysis bullosa, Hallopeau-Siemens type (formerly). Identifiers: Orphanet 303, MedGen C0079294, MONDO:0006543.
COL7A1-related disorder. Also called: COL7A1- related disorders; COL7A1-related condition.

Allele frequency attached by ClinVar (database versions not stated): gnomAD exomes 0.00001; TOPMed 0.00001; ESP Exome Variant Server 0.00008.
gnomAD v4.1: 11 of 1,613,762 alleles (0.00068%); highest among the groups gnomAD compares: African/African-American, 0.0027%; no homozygotes.

Submissions (4):

PreventionGenetics, part of Exact Sciences
Classification: Pathogenic for COL7A1-related condition. Last evaluated: 2026-03-12. Review status: criteria provided, single submitter. Criteria: ACMG Guidelines, 2015. Collection method: clinical testing. Allele origin: germline.
Comment: The COL7A1 c.5344G>A variant is predicted to result in the amino acid substitution p.Gly1782Arg. This variant has been reported in patients with dystrophic epidermolysis bullosa (Christiano et al. 1996. PubMed ID: 8644729; Patient 73 in Whittock et al. 1999. PubMed ID: 10504458) and in two cases, this variant was noted to be in the compound heterozygous state (Table SII in Almaani et al. 2011. PubMed ID: 21448560; Table S5, Chen et al. 2020. PubMed ID: 32484238). This variant is reported in 0.0026% of alleles in individuals of European (Non-Finnish) descent in gnomAD and it has been interpreted as pathogenic in ClinVar. The amino acid p.Gly1782 resides within the triple helical domain of the COL7A1 protein (amino acids 1254-2784; Christiano et al. 1996. PubMed ID: 8644729). Glycine substitutions within this domain affect the folding and secretion of type VII collagen, and pathogenic variants altering glycine residues have been reported in individuals with COL7A1-related disorders (Dang and Murrell. 2008. PubMed ID: 18558993; Almaani et al. 2011. PubMed ID: 21448560; Vahidnezhad et al. 2017. PubMed ID: 27899325). In addition, another glycine substitution at the same amino acid position (p.Gly1782Val) has also been reported in individuals with dystrophic epidermolysis bullosa (Table SII in Almaani et al. 2011. PubMed ID: 21448560; Patient 13 in Kern et al. 2006. PubMed ID: 16484981). In summary, we interpret the c.5344G>A (p.Gly1782Arg) variant as pathogenic.

Labcorp Genetics (formerly Invitae), Labcorp
Classification: Pathogenic. Last evaluated: 2026-01-18. Review status: criteria provided, single submitter. Criteria: Invitae Variant Classification Sherloc (09022015). Collection method: clinical testing. Allele origin: germline.
Comment: This sequence change replaces glycine, which is neutral and non-polar, with arginine, which is basic and polar, at codon 1782 of the COL7A1 protein (p.Gly1782Arg). This variant is present in population databases (rs374718902, gnomAD 0.003%). This missense change has been observed in individuals with autosomal recessive dystrophic epidermolysis bullosa (PMID: 8644729, 10504458, 10944088). ClinVar contains an entry for this variant (Variation ID: 372339). Invitae Evidence Modeling of protein sequence and biophysical properties (such as structural, functional, and spatial information, amino acid conservation, physicochemical variation, residue mobility, and thermodynamic stability) indicates that this missense variant is expected to disrupt COL7A1 protein function with a positive predictive value of 95%. This variant disrupts the triple helix domain of COL7A1. Glycine residues within the Gly-Xaa-Yaa repeats of the triple helix domain are required for the structure and stability of fibrillar collagens (PMID: 7695699, 8218237, 19344236), and variants at these glycine residues in COL7A1 are more frequently observed in individuals with disease than in the general population (PMID: 22058051). However, the clinical significance of this observation remains uncertain since only a limited number of affected individuals have been described to date. For these reasons, this variant has been classified as Pathogenic.

GeneDx
Classification: Pathogenic. Last evaluated: 2023-02-22. Review status: criteria provided, single submitter. Criteria: GeneDx Variant Classification Process June 2021. Collection method: clinical testing. Allele origin: germline. Affected: yes.
Comment: Located in the highly conserved Gly-X-Y repeat of the collagenous domain; Glycine substitution variants in this region of the COLVII protein destabilize the collagen triple helix resulting in skin fragility due to poor anchoring of the basement membrane to the underlying dermis (Pfendner and Lucky, 2018); In silico analysis supports that this missense variant has a deleterious effect on protein structure/function; This variant is associated with the following publications: (PMID: 8752681, 8644729, 21448560, 10944088, 32484238, 10504458, 26582918, 24077912)

Natera, Inc.
Classification: Pathogenic for Dystrophic epidermolysis bullosa. Last evaluated: 2021-04-06. Review status: no assertion criteria provided. Collection method: clinical testing. Allele origin: germline. Not counted in ClinVar's aggregate classification.

Literature cited by the submitters: PubMed 8644729 (cited by Labcorp Genetics (formerly Invitae), Labcorp); PubMed 10504458 (cited by Labcorp Genetics (formerly Invitae), Labcorp); PubMed 10944088 (cited by Labcorp Genetics (formerly Invitae), Labcorp); PubMed 7695699 (cited by Labcorp Genetics (formerly Invitae), Labcorp); PubMed 8218237 (cited by Labcorp Genetics (formerly Invitae), Labcorp); PubMed 19344236 (cited by Labcorp Genetics (formerly Invitae), Labcorp); PubMed 22058051 (cited by Labcorp Genetics (formerly Invitae), Labcorp).

NM_000094.4(COL7A1):c.5344G>A (p.Gly1782Arg)

Gene: COL7A1 (collagen type VII alpha 1 chain; minus strand). Cytogenetic location: 3p21.31.
Variant type: single nucleotide variant.
Coding change: c.5344G>A on transcript NM_000094.4 (MANE Select); coding-DNA position 5344, G replaced by A.
Protein change: p.Gly1782Arg; replaces glycine 1782 with arginine.
Molecular consequence: missense variant.
Genome position (GRCh38, 1-based): chr3:48,579,241, C>T on the plus strand (G>A on the coding strand, the complement: COL7A1 is on the minus strand). VCF-style: chr3-48579241-C-T. GRCh37 (hg19) VCF-style: chr3-48616674-C-T.
Other names: short protein forms G1782R.
Identifiers: ClinVar variation 372339 (VCV000372339.13), dbSNP rs374718902, ClinGen allele CA2379549.
Genomic context (GRCh38, chr3:48,579,241, plus strand): 5'-GACTACCAAGACTCACATTCGGCCCAGAGGGCCCAGCGGCTCCTGGTTTCCCATCCAGTC[C>T]GCTCCGGCCATCCAGCCCAGGGGGACCCCGGTCACCCTGTGGAAAATAGAGTGGTAAGAG-3'
Protein context (NP_000085.1, residues 1772-1792): RGPPGLDGRS[Gly1782Arg]LDGKPGAAGP